The following is an entry in ClinVar:

ClinVar aggregate classification (germline): Uncertain significance (1 of 4 stars; one submission).

Submission:

CeGaT Center for Human Genetics Tuebingen
Classification: Uncertain significance. Last evaluated: 2025-02-01. Review status: criteria provided, single submitter. Criteria: CeGaT Center For Human Genetics Tuebingen Variant Classification Criteria Version 2. Collection method: clinical testing. Allele origin: germline. Affected: yes. Observed: 1 variant allele.
Comment: TRIO: PM2

NM_007118.4(TRIO):c.3310G>T (p.Ala1104Ser)

Gene: TRIO (trio Rho guanine nucleotide exchange factor; plus strand). Cytogenetic location: 5p15.2.
Variant type: single nucleotide variant.
Coding change: c.3310G>T on transcript NM_007118.4 (MANE Select); coding-DNA position 3310, G replaced by T.
Protein change: p.Ala1104Ser; replaces alanine 1104 with serine.
Molecular consequence: missense variant. On other transcripts: non-coding transcript variant (1).
Genome position (GRCh38, 1-based): chr5:14,374,322, G>T. VCF-style: chr5-14374322-G-T. GRCh37 (hg19) VCF-style: chr5-14374431-G-T.
Other names: short protein forms A1104S.
Identifiers: ClinVar variation 3772401 (VCV003772401.13).